The following is an entry in ClinVar:

ClinVar aggregate classification (germline): Benign. Review status: criteria provided, multiple submitters, no conflicts (2 of 4 stars). 2 submissions from 2 submitters: Benign (2). Last evaluated 2018-06-19.

Allele frequency attached by ClinVar (database versions not stated): 1000 Genomes Project 30x 0.05278; 1000 Genomes Project 0.05371; TOPMed 0.05659; gnomAD 0.06217.
gnomAD v4.1: 87,033 of 1,384,136 alleles (6.3%); highest among the groups gnomAD compares: South Asian, 7.6%; 2,943 homozygotes.

Submissions (2):

GeneDx
Classification: Benign. Last evaluated: 2018-06-19. Review status: criteria provided, single submitter. Criteria: GeneDx Variant Classification (06012015). Collection method: clinical testing. Allele origin: germline. Affected: yes.
Comment: This variant is considered likely benign or benign based on one or more of the following criteria: it is a conservative change, it occurs at a poorly conserved position in the protein, it is predicted to be benign by multiple in silico algorithms, and/or has population frequency not consistent with disease.

Breakthrough Genomics
Classification: Benign. Review status: criteria provided, single submitter. Criteria: ACMG Guidelines, 2015. Collection method: not provided. Allele origin: germline. Inheritance: Autosomal recessive inheritance. Affected: yes.

NM_001291303.3(FAT4):c.5176-82C>T

Gene: FAT4 (FAT atypical cadherin 4; plus strand). Cytogenetic location: 4q28.1.
Variant type: single nucleotide variant.
Coding change: c.5176-82C>T on transcript NM_001291303.3 (MANE Select); 82 bases into the intron before coding-DNA position 5176, C replaced by T.
Molecular consequence: intron variant.
Genome position (GRCh38, 1-based): chr4:125,398,702, C>T. VCF-style: chr4-125398702-C-T. GRCh37 (hg19) VCF-style: chr4-126319857-C-T.
Other names: c.5176-82C>T (NM_001291285.3, NM_024582.6).
Identifiers: ClinVar variation 680139 (VCV000680139.2), dbSNP rs11946554, ClinGen allele CA104840988.